The following is an entry in ClinVar:

ClinVar aggregate classification (germline): Uncertain significance. Review status: criteria provided, multiple submitters, no conflicts (2 of 4 stars). 5 submissions from 5 submitters: Uncertain significance (4). 1 of the submissions does not count toward it. Last evaluated 2024-11-11.

Conditions:
Diabetes mellitus, transient neonatal, 3 (TNDM3). Identifiers: Orphanet 99886, MedGen C1864623, MONDO:0012522, OMIM 610582. Disease mechanism: loss of function.
Hyperinsulinemic hypoglycemia, familial, 2. Also called: HYPERINSULINEMIC HYPOGLYCEMIA, PERSISTENT; HYPERINSULINISM, NEONATAL. Identifiers: Orphanet 276580, Orphanet 276603, MedGen C2931833, MONDO:0011153, OMIM 601820. Disease mechanism: loss of function.
Permanent neonatal diabetes mellitus 1. Also called: GCK-Related Permanent Neonatal Diabetes Mellitus. Identifiers: MedGen C5393570, MONDO:0100165, OMIM 606176.
KCNJ11-related disorder. Also called: KCNJ11-related disorders; KCNJ11-related condition.
Permanent neonatal diabetes mellitus (PNDM). Identifiers: Orphanet 99885, MedGen C1833104, MONDO:0100164, MONDO:0011643. Disease mechanism: gain of function.
Maturity-onset diabetes of the young type 13. Also called: MODY, TYPE 13. Identifiers: Orphanet 552, MedGen C4225365, MONDO:0014589, OMIM 616329.
Type 2 diabetes mellitus. Also called: Type II diabetes mellitus. Identifiers: MedGen C0011860, MeSH D003924, MONDO:0005148, OMIM 125853, HP:0005978.
Maturity-onset diabetes of the young (MODY). Also called: Maturity onset diabetes mellitus in young. Identifiers: Orphanet 552, MedGen C0342276, MONDO:0018911, HP:0004904.

Allele frequency attached by ClinVar (database versions not stated): TOPMed below 0.00001; ExAC 0.00001; gnomAD 0.00001; gnomAD exomes 0.00001; ESP Exome Variant Server 0.00008.
gnomAD v4.1: 8 of 1,614,184 alleles (0.0005%); highest among the groups gnomAD compares: Non-Finnish European, 0.00068%; no homozygotes.

Submissions (5):

Blueprint Genetics
Classification: Uncertain significance. Last evaluated: 2024-11-11. Review status: criteria provided, single submitter. Criteria: ACMG Guidelines, 2015. Collection method: clinical testing. Allele origin: germline.

PreventionGenetics, part of Exact Sciences
Classification: Uncertain significance for KCNJ11-related condition. Last evaluated: 2023-10-04. Review status: criteria provided, single submitter. Criteria: ACMG Guidelines, 2015. Collection method: clinical testing. Allele origin: germline.
Comment: The KCNJ11 c.1016T>G variant is predicted to result in the amino acid substitution p.Val339Gly. This variant was reported in an individual with congenital hyperinsulinism (Supplemental Appendix, Snider et al. 2013. PubMed ID: 23275527). This variant is reported in 0.0018% of alleles in individuals of European (Non-Finnish) descent in gnomAD. At this time, the clinical significance of this variant is uncertain due to the absence of conclusive functional and genetic evidence.

Fulgent Genetics
Classification: Uncertain significance for Type 2 diabetes mellitus; Hyperinsulinemic hypoglycemia, familial, 2; Permanent neonatal diabetes mellitus 1; Diabetes mellitus, transient neonatal, 3; Maturity-onset diabetes of the young type 13. Last evaluated: 2018-10-31. Review status: criteria provided, single submitter. Criteria: ACMG Guidelines, 2015. Collection method: clinical testing. Allele origin: unknown.

Clinical Genomics, Uppaluri K&H Personalized Medicine Clinic
Classification: Uncertain significance for Maturity-onset diabetes of the young. Review status: criteria provided, single submitter. Criteria: K&H Uppaluri Personalized Medicine Clinic Variant Classification & Assertion Criteria. Collection method: research. Allele origin: somatic. Inheritance: Autosomal dominant inheritance.
Comment: Mutations in KCNJ11 gene can cause decreased production and secretion of insulin. This can lead to MODY which may be responsive to oral sulfonylureas. Though rs138125678 (p.V252G) of KCNJ11 gene was seen in PNDM, its significance remains inconclusive. More studies are required to ascertain the role of rs138125678 variant in MODY.

Counsyl
Classification: Uncertain significance for Hyperinsulinemic hypoglycemia, familial, 2; Permanent neonatal diabetes mellitus 1; Diabetes mellitus, transient neonatal, 3. Last evaluated: 2017-01-09. Review status: no assertion criteria provided. Collection method: clinical testing. Allele origin: unknown. Not counted in ClinVar's aggregate classification.

Literature cited by the submitters: PubMed 30377186 (cited by Clinical Genomics, Uppaluri K&H Personalized Medicine Clinic); PubMed 23275527 (cited by Counsyl).

NM_000525.4(KCNJ11):c.1016T>G (p.Val339Gly)

Gene: KCNJ11 (potassium inwardly rectifying channel subfamily J member 11; minus strand). Cytogenetic location: 11p15.1.
Variant type: single nucleotide variant.
Coding change: c.1016T>G on transcript NM_000525.4 (MANE Select); coding-DNA position 1016, T replaced by G.
Protein change: p.Val339Gly; replaces valine 339 with glycine.
Molecular consequence: missense variant.
Genome position (GRCh38, 1-based): chr11:17,387,076, A>C on the plus strand (T>G on the coding strand, the complement: KCNJ11 is on the minus strand). VCF-style: chr11-17387076-A-C. GRCh37 (hg19) VCF-style: chr11-17408623-A-C.
Other names: c.755T>G, p.Val252Gly (NM_001166290.2, NM_001377296.1, NM_001377297.1); short protein forms V339G, V252G.
Identifiers: ClinVar variation 550169 (VCV000550169.6), dbSNP rs138125678, ClinGen allele CA5902201.
Genomic context (GRCh38, chr11:17,387,076, plus strand): 5'-AGAGCTTCCAGTAGGCTGTGGTCCTCATCAAGCTGGCGGGCCGTGCAGAGTGGTGTGGGC[A>C]CTTTGACGGTGTTGCCAAACTTGGAGTAGTCCACAGAGTAACGTCCGTCCTCCTCAGCTA-3'
Protein context (NP_000516.3, residues 329-349): DYSKFGNTVK[Val339Gly]PTPLCTARQL